The following is an entry in ClinVar:

ClinVar aggregate classification (germline): Likely benign. Review status: criteria provided, single submitter (1 of 4 stars). 2 submissions from 2 submitters: Likely benign (1). 1 of the submissions does not count toward it. Last evaluated 2021-06-03.

Conditions:
PCSK1-related disorder. Also called: PCSK1-related condition.

Allele frequency attached by ClinVar (database versions not stated): TOPMed 0.00001.
gnomAD v4.1: 21 of 1,613,846 alleles (0.0013%); highest among the groups gnomAD compares: Admixed American, 0.0033%; no homozygotes.

Submissions (2):

Blueprint Genetics
Classification: Likely benign. Last evaluated: 2021-06-03. Review status: criteria provided, single submitter. Criteria: ACMG Guidelines, 2015. Collection method: clinical testing. Allele origin: germline.

PreventionGenetics, part of Exact Sciences
Classification: Likely benign for PCSK1-related condition. Last evaluated: 2022-11-17. Review status: no assertion criteria provided. Collection method: clinical testing. Allele origin: germline. Not counted in ClinVar's aggregate classification.
Comment: This variant is classified as likely benign based on ACMG/AMP sequence variant interpretation guidelines (Richards et al. 2015 PMID: 25741868, with internal and published modifications).

NM_000439.5(PCSK1):c.1176C>T (p.Phe392=)

Genes: PCSK1 (proprotein convertase subtilisin/kexin type 1; minus strand), CAST (calpastatin; plus strand), LOC101929710 (uncharacterized LOC101929710; plus strand). Cytogenetic location: 5q15.
Variant type: single nucleotide variant.
Coding change: c.1176C>T on transcript NM_000439.5 (MANE Select); coding-DNA position 1176, C replaced by T.
Protein change: p.Phe392=; no amino-acid change (phenylalanine 392 retained).
Molecular consequence: synonymous variant. On other transcripts: intron variant (11).
Genome position (GRCh38, 1-based): chr5:96,408,243, G>A on the plus strand (C>T on the coding strand, the complement: PCSK1 is on the minus strand). VCF-style: chr5-96408243-G-A. GRCh37 (hg19) VCF-style: chr5-95743947-G-A.
Other names: c.1035C>T, p.Phe345= (NM_001177875.2); c.-175+28591G>A (NM_001423254.1, NM_001423259.1, NM_001423255.1 and 6 more transcripts); c.-103+28591G>A (NM_001423253.1); c.-40+28591G>A (NM_001423258.1).
Identifiers: ClinVar variation 3058392 (VCV003058392.3), dbSNP rs984628674, ClinGen allele CA122912171.